The following is an entry in ClinVar:

ClinVar aggregate classification (germline): Uncertain significance. Review status: criteria provided, multiple submitters, no conflicts (2 of 4 stars). 2 submissions from 2 submitters: Uncertain significance (2). Last evaluated 2025-02-03.

Conditions:
SEMA3E-related disorder. Also called: SEMA3E-related condition.

Submissions (2):

Ambry Genetics
Classification: Uncertain significance. Last evaluated: 2025-02-03. Review status: criteria provided, single submitter. Criteria: Ambry Variant Classification Scheme 2023. Collection method: clinical testing. Allele origin: germline.

PreventionGenetics, part of Exact Sciences
Classification: Uncertain significance for SEMA3E-related condition. Last evaluated: 2025-01-15. Review status: criteria provided, single submitter. Criteria: ACMG Guidelines, 2015. Collection method: clinical testing. Allele origin: germline.
Comment: The SEMA3E c.1027G>C variant is predicted to result in the amino acid substitution p.Val343Leu. To our knowledge, this variant has not been reported in the literature or in a large population database (gnomAD), indicating this variant is rare. At this time, the clinical significance of this variant is uncertain due to the absence of conclusive functional and genetic evidence.

NM_012431.3(SEMA3E):c.1027G>C (p.Val343Leu)

Gene: SEMA3E (semaphorin 3E; minus strand). Cytogenetic location: 7q21.11.
Variant type: single nucleotide variant.
Coding change: c.1027G>C on transcript NM_012431.3 (MANE Select); coding-DNA position 1027, G replaced by C.
Protein change: p.Val343Leu; replaces valine 343 with leucine.
Molecular consequence: missense variant.
Genome position (GRCh38, 1-based): chr7:83,402,748, C>G on the plus strand (G>C on the coding strand, the complement: SEMA3E is on the minus strand). VCF-style: chr7-83402748-C-G. GRCh37 (hg19) VCF-style: chr7-83032064-C-G.
Other names: c.847G>C, p.Val283Leu (NM_001178129.2); short protein forms V283L, V343L.
Identifiers: ClinVar variation 3794050 (VCV003794050.2).